The following is an entry in ClinVar:

NM_000069.3(CACNA1S):c.4480A>C (p.Ile1494Leu)

Gene: CACNA1S (calcium voltage-gated channel subunit alpha1 S; minus strand). Cytogenetic location: 1q32.1.
Variant type: single nucleotide variant.
Coding change: c.4480A>C on transcript NM_000069.3 (MANE Select); coding-DNA position 4480, A replaced by C.
Protein change: p.Ile1494Leu; replaces isoleucine 1494 with leucine.
Molecular consequence: missense variant.
Genome position (GRCh38, 1-based): chr1:201,047,588, T>G on the plus strand (A>C on the coding strand, the complement: CACNA1S is on the minus strand). VCF-style: chr1-201047588-T-G. GRCh37 (hg19) VCF-style: chr1-201016716-T-G.
Other names: short protein forms I1494L.
Identifiers: ClinVar variation 4757952 (VCV004757952.1).

ClinVar aggregate classification (germline): Uncertain significance (1 of 4 stars; one submission).

Conditions:
Malignant hyperthermia, susceptibility to, 5 (MHS5). Also called: CACNA1S-Related Malignant Hyperthermia Susceptibility. Identifiers: Orphanet 423, MedGen C1866077, MONDO:0011163, OMIM 601887.

Submission:

Color Diagnostics, LLC DBA Color Health
Classification: Uncertain significance for Malignant hyperthermia, susceptibility to, 5. Last evaluated: 2025-08-25. Review status: criteria provided, single submitter. Criteria: ACMG Guidelines, 2015. Collection method: clinical testing. Allele origin: germline.
Comment: This missense variant replaces isoleucine with leucine at codon 1494 of the CACNA1S protein. Computational prediction suggests that this variant may not impact protein structure and function. To our knowledge, functional studies have not been reported for this variant. This variant has not been reported in individuals affected with CACNA1S-related disorders in the literature. This variant has not been identified in the general population by the Genome Aggregation Database (gnomAD). The available evidence is insufficient to determine the role of this variant in disease conclusively. Therefore, this variant is classified as a Variant of Uncertain Significance.